The following is an entry in ClinVar:

NM_002292.4(LAMB2):c.3140C>T (p.Pro1047Leu)

Gene: LAMB2 (laminin subunit beta 2; minus strand). Cytogenetic location: 3p21.31.
Variant type: single nucleotide variant.
Coding change: c.3140C>T on transcript NM_002292.4 (MANE Select); coding-DNA position 3140, C replaced by T.
Protein change: p.Pro1047Leu; replaces proline 1047 with leucine.
Molecular consequence: missense variant.
Genome position (GRCh38, 1-based): chr3:49,124,582, G>A on the plus strand (C>T on the coding strand, the complement: LAMB2 is on the minus strand). VCF-style: chr3-49124582-G-A. GRCh37 (hg19) VCF-style: chr3-49162015-G-A.
Other names: short protein forms P1047L.
Identifiers: ClinVar variation 859155 (VCV000859155.7), dbSNP rs758124972, ClinGen allele CA2394111.

ClinVar aggregate classification (germline): Uncertain significance. Review status: criteria provided, multiple submitters, no conflicts (2 of 4 stars). 4 submissions from 4 submitters: Uncertain significance (4). Last evaluated 2025-08-20.

Conditions:
LAMB2-related infantile-onset nephrotic syndrome. Also called: Nephrotic Syndrome, type 5; NEPHROTIC SYNDROME, TYPE 5, WITHOUT OCULAR ABNORMALITIES; NEPHROTIC SYNDROME, TYPE 5, WITH OCULAR ABNORMALITIES. Identifiers: Orphanet 306507, MedGen C3280113, MONDO:0013621, OMIM 614199.
Pierson syndrome. Also called: MICROCORIA-CONGENITAL NEPHROTIC SYNDROME. Identifiers: Orphanet 2670, MedGen C1836876, MONDO:0012184, OMIM 609049.
Inborn genetic diseases. Identifiers: MedGen C0950123, MeSH D030342.

Allele frequency attached by ClinVar (database versions not stated): gnomAD exomes 0.00001 and 0.00004; ExAC 0.00002; gnomAD 0.00004 and 0.00005; TOPMed 0.00006.
gnomAD v4.1: 25 of 1,613,586 alleles (0.0015%); highest among the groups gnomAD compares: Admixed American, 0.01%; no homozygotes.

Submissions (4):

Ambry Genetics
Classification: Uncertain significance for Inborn genetic diseases. Last evaluated: 2025-08-20. Review status: criteria provided, single submitter. Criteria: Ambry Variant Classification Scheme 2023. Collection method: clinical testing. Allele origin: germline.

Labcorp Genetics (formerly Invitae), Labcorp
Classification: Uncertain significance for LAMB2-related infantile-onset nephrotic syndrome; Pierson syndrome. Last evaluated: 2023-07-10. Review status: criteria provided, single submitter. Criteria: Invitae Variant Classification Sherloc (09022015). Collection method: clinical testing. Allele origin: germline.
Comment: This sequence change replaces proline, which is neutral and non-polar, with leucine, which is neutral and non-polar, at codon 1047 of the LAMB2 protein (p.Pro1047Leu). This variant is present in population databases (rs758124972, gnomAD 0.02%). This variant has not been reported in the literature in individuals affected with LAMB2-related conditions. ClinVar contains an entry for this variant (Variation ID: 859155). An algorithm developed to predict the effect of missense changes on protein structure and function (PolyPhen-2) suggests that this variant¬†is likely to be tolerated. In summary, the available evidence is currently insufficient to determine the role of this variant in disease. Therefore, it has been classified as a Variant of Uncertain Significance.

Fulgent Genetics
Classification: Uncertain significance for Pierson syndrome; LAMB2-related infantile-onset nephrotic syndrome. Last evaluated: 2022-04-21. Review status: criteria provided, single submitter. Criteria: ACMG Guidelines, 2015. Collection method: clinical testing. Allele origin: unknown.

Neuberg Centre For Genomic Medicine, NCGM
Classification: Uncertain significance for LAMB2-related infantile-onset nephrotic syndrome. Review status: criteria provided, single submitter. Criteria: ACMG Guidelines, 2015. Collection method: clinical testing. Allele origin: germline. Inheritance: Autosomal recessive inheritance. Affected: yes.
Comment: The missense variant p.Pro1047Leu in LAMB2 gene (NM_002292.4) has been submitted to ClinVar as a Variant of Uncertain Significance, but no details are available for independent assessment. It has not been reported in affected individuals. The variant is observed in 0.004% alleles in gnomAD Exomes and is novel (not in any individuals) in 1000 Genomes. The amino acid change p.Pro1047Leu in LAMB2 is predicted as conserved by GERP++ and PhyloP across 100 vertebrates. For these reasons, this variant has been classified as Uncertain Significance. However, In the absence of second reportable variant, the molecular diagnosis is not confirmed.